The following is an entry in ClinVar:

NM_001303052.2(MYT1L):c.1035C>G (p.Asn345Lys)

Gene: MYT1L (myelin transcription factor 1 like; minus strand). Cytogenetic location: 2p25.3.
Variant type: single nucleotide variant.
Coding change: c.1035C>G on transcript NM_001303052.2 (MANE Select); coding-DNA position 1035, C replaced by G.
Protein change: p.Asn345Lys; replaces asparagine 345 with lysine.
Molecular consequence: missense variant.
Genome position (GRCh38, 1-based): chr2:1,922,734, G>C on the plus strand (C>G on the coding strand, the complement: MYT1L is on the minus strand). VCF-style: chr2-1922734-G-C. GRCh37 (hg19) VCF-style: chr2-1926506-G-C.
Other names: c.1035C>G, p.Asn345Lys (NM_001329844.2, NM_001329845.1, NM_001329846.3 and 6 more transcripts); short protein forms N345K.
Identifiers: ClinVar variation 1805556 (VCV001805556.1), dbSNP rs2550917491, ClinGen allele CA345705092.
Genomic context (GRCh38, chr2:1,922,734, plus strand): 5'-CTCTTCTGGCCGGACATGCTGACGGATGTTCATGTTCTGCTGCGGATTCCTCTCCTGCGG[G>C]TTGGTCTCACTGAGCTTCCTGGCCAGGTCGAAGCACTGATTCCTCAAACACTCCAGACTG-3'
Protein context (NP_001289981.1, residues 335-355): FDLARKLSET[Asn345Lys]PQERNPQQNM

ClinVar aggregate classification (germline): Uncertain significance (1 of 4 stars; one submission).

Conditions:
Intellectual developmental disorder, autosomal dominant 39. Also called: Intellectual disability, autosomal dominant 39; Mental retardation, autosomal dominant 39. Identifiers: MedGen C4225296, MONDO:0014678, OMIM 616521.

Allele frequency attached by ClinVar (database versions not stated): gnomAD exomes below 0.00001.
gnomAD v4.1: 1 of 1,613,926 alleles (0.000062%); highest among the groups gnomAD compares: Non-Finnish European, 0.000085%; no homozygotes.

Submission:

Victorian Clinical Genetics Services, Murdoch Childrens Research Institute
Classification: Uncertain significance for Intellectual developmental disorder, autosomal dominant 39. Last evaluated: 2020-05-25. Review status: criteria provided, single submitter. Criteria: ACMG Guidelines, 2015. Collection method: clinical testing. Allele origin: germline. Inheritance: Autosomal dominant inheritance. Affected: yes.
Comment: Based on the classification scheme VCGS_Germline_v1.1.1, this variant is classified as VUS – 3C. Following criteria are met: 0102 - Loss-of-function is a known mechanism of disease for this gene. (N) 0107 - This gene is known to be associated with autosomal dominant disease. (N) 0200 - Variant is predicted to result in a missense amino acid change from asparagine to lysine (exon 10). (N) 0251 - Variant is heterozygous. (N) 0301 - Variant is absent from gnomAD. (P) 0503 - Missense variant consistently predicted to be tolerated or not conserved in mammals with a minor amino acid change. (B) 0604 - Variant is not located in an established domain, motif, hotspot or informative constraint region. (N) 0705 - No comparable variants have previous evidence for pathogenicity. (N) 0807 - Variant has not previously been reported in a clinical context. (N) 0905 - No segregation evidence has been identified for this variant. (N) 1007 - No published functional evidence has been identified for this variant. (N) 1208 - Inheritance information for this variant is not currently available. (N) Legend: (P) - Pathogenic, (N) - Neutral, (B) - Benign